The following continues an entry in ClinVar:

NM_000038.6(APC):c.1213C>T (p.Arg405Ter)

Gene: APC. ClinVar aggregate classification (germline): Pathogenic. Pathogenic (15).

Submissions 12 to 19 of 19:

ARUP Laboratories, Molecular Genetics and Genomics, ARUP Laboratories
Classification: Pathogenic. Last evaluated: 2022-02-08. Review status: criteria provided, single submitter. Criteria: ARUP Molecular Germline Variant Investigation Process 2021. Collection method: clinical testing. Allele origin: germline.
Comment: The APC c.1213C>T; p.Arg405Ter variant (rs587779780) has been reported in multiple individuals with familial adenomatous polyposis (Friedl 2005, Nagase 1992). It is listed as pathogenic in ClinVar (Variation ID: 127275), and not observed in the general population databases (1000 Genomes Project, Exome Variant Server, and Genome Aggregation Database), indicating it is not a common polymorphism. The variant introduces a premature termination codon, and is predicted to result in a truncated protein or an absent transcript. Based on the above information, this variant is considered pathogenic. References: Friedl W et al. Familial adenomatous polyposis: experience from a study of 1164 unrelated german polyposis patients. Hered Cancer Clin Pract. 2005; 3(3):95-114. Nagase H et al. Screening for germ-line mutations in familial adenomatous polyposis patients: 61 new patients and a summary of 150 unrelated patients. Hum Mutat. 1992; 1(6):467-73.

Revvity Omics, Revvity
Classification: Pathogenic. Last evaluated: 2019-03-25. Review status: criteria provided, single submitter. Criteria: ACMG Guidelines, 2015. Collection method: clinical testing. Allele origin: germline.

HudsonAlpha Institute for Biotechnology
Classification: Pathogenic for Familial adenomatous polyposis 1. Last evaluated: 2018-06-26. Review status: criteria provided, single submitter. Criteria: ACMG Guidelines, 2015. Collection method: research. Allele origin: unknown. Observed: 1 variant allele. Study: AGHI-WGS-HudsonAlpha.

Quest Diagnostics Nichols Institute San Juan Capistrano
Classification: Pathogenic. Last evaluated: 2017-11-16. Review status: criteria provided, single submitter. Criteria: Quest Diagnostics criteria. Collection method: clinical testing. Allele origin: germline.

PreventionGenetics, part of Exact Sciences
Classification: Pathogenic for APC-related condition. Last evaluated: 2024-04-11. Review status: no assertion criteria provided. Collection method: clinical testing. Allele origin: germline. Not counted in ClinVar's aggregate classification.
Comment: The APC c.1213C>T variant is predicted to result in premature protein termination (p.Arg405*). This variant has been reported in multiple individuals with familial adenomatous polyposis coli (Table 1, Nagase et al. 1992. PubMed ID: 1338764; Table S1, Friedl et al. 2005. PubMed ID: 20223039; Gentner et al. 2005. PubMed ID: 15986289; Table 1, Lee et al. 2022. PubMed ID: 35189564). This variant has not been reported in a large population database, indicating this variant is rare. It is interpreted as pathogenic in ClinVar. Nonsense variants in APC are expected to be pathogenic. This variant is interpreted as pathogenic.

Clinical Genetics DNA and cytogenetics Diagnostics Lab, Erasmus MC, Erasmus Medical Center
Classification: Pathogenic. Review status: no assertion criteria provided. Collection method: clinical testing. Allele origin: germline. Affected: yes. Study: VKGL Data-share Consensus. Not counted in ClinVar's aggregate classification.

Department of Pathology and Laboratory Medicine, Sinai Health System
Classification: Pathogenic. Review status: no assertion criteria provided. Collection method: clinical testing. Allele origin: unknown. Affected: yes. Study: The Canadian Open Genetics Repository (COGR). Not counted in ClinVar's aggregate classification.
Comment: The p.Arg405X variant has been previously reported in at least 4 of 2632 proband chromosomes in individuals with FAP ( Nagase 1992, Friedl 2005). In addition, this variant has been identified as a frequent mutation in somatic colorectal cancer (Harismendy 2011, Powell 1992). The p.Arg405X variant leads to a premature stop codon at position 405, which is predicted to lead to a truncated or absent protein and loss of function. Loss of function variants of the APC gene are an established mechanism of disease for FAP. In summary, based on the above information, this variant meets our criteria to be classified as pathogenic.

Joint Genome Diagnostic Labs from Nijmegen and Maastricht, Radboudumc and MUMC+
Classification: Pathogenic. Review status: no assertion criteria provided. Collection method: clinical testing. Allele origin: germline. Affected: yes. Study: VKGL Data-share Consensus. Not counted in ClinVar's aggregate classification.

Literature cited by the submitters: PubMed 1338764 (cited by 4 submitters); PubMed 20223039 (cited by 5 submitters); PubMed 20685668 (cited by 3 submitters); PubMed 28135145 (cited by 4 submitters); PubMed 33087929 (cited by Mayo Clinic Laboratories, Mayo Clinic and New York Genome Center); PubMed 34897210 (cited by Mayo Clinic Laboratories, Mayo Clinic); PubMed 35189564 (cited by 3 submitters); PubMed 29901124 (cited by 3 submitters); PubMed 15952110 (cited by Color Diagnostics, LLC DBA Color Health); PubMed 15986289 (cited by Color Diagnostics, LLC DBA Color Health and New York Genome Center); PubMed 30257133 (cited by New York Genome Center); PubMed 26681312 (cited by New York Genome Center).